The following is an entry in ClinVar:

ClinVar aggregate classification (germline): Benign/Likely benign. Review status: criteria provided, multiple submitters, no conflicts (2 of 4 stars). 3 submissions from 3 submitters: Benign (1); Likely benign (2). Last evaluated 2024-02-23.

Conditions:
Hereditary cancer-predisposing syndrome. Also called: Neoplastic Syndromes, Hereditary; Tumor predisposition; Hereditary Cancer Syndrome; Hereditary neoplastic syndrome. Identifiers: Orphanet 140162, MedGen C0027672, MeSH D009386, MONDO:0015356.
Familial adenomatous polyposis 1 (FAP1). Also called: FAMILIAL ADENOMATOUS POLYPOSIS 1, ATTENUATED; POLYPOSIS, ADENOMATOUS INTESTINAL. Identifiers: MedGen C2713442, MONDO:0021056, OMIM 175100. Disease mechanism: loss of function.

Submissions (3):

Labcorp Genetics (formerly Invitae), Labcorp
Classification: Likely benign for Familial adenomatous polyposis 1. Last evaluated: 2024-02-23. Review status: criteria provided, single submitter. Criteria: Invitae Variant Classification Sherloc (09022015). Collection method: clinical testing. Allele origin: germline.

Myriad Genetics, Inc.
Classification: Benign for Familial adenomatous polyposis 1. Last evaluated: 2024-02-22. Review status: criteria provided, single submitter. Criteria: Myriad Autosomal Dominant, Autosomal Recessive and X-Linked Classification Criteria (2023). Collection method: clinical testing. Allele origin: unknown.
Comment: This variant is considered benign. This variant is a silent/synonymous amino acid change and it is not expected to impact splicing.

Ambry Genetics
Classification: Likely benign for Hereditary cancer-predisposing syndrome. Last evaluated: 2017-11-21. Review status: criteria provided, single submitter. Criteria: Ambry Variant Classification Scheme 2023. Collection method: clinical testing. Allele origin: germline.

NM_000038.6(APC):c.216T>A (p.Leu72=)

Gene: APC (APC regulator of Wnt signaling pathway; plus strand). Cytogenetic location: 5q22.2.
Variant type: single nucleotide variant.
Coding change: c.216T>A on transcript NM_000038.6 (MANE Select); coding-DNA position 216, T replaced by A.
Protein change: p.Leu72=; no amino-acid change (leucine 72 retained).
Molecular consequence: synonymous variant. On other transcripts: 5 prime UTR variant (4), non-coding transcript variant (2).
Genome position (GRCh38, 1-based): chr5:112,766,406, T>A. VCF-style: chr5-112766406-T-A. GRCh37 (hg19) VCF-style: chr5-112102103-T-A.
Other names: c.216T>A, p.Leu72= (NM_001127510.3, NM_001354895.2, NM_001354896.2 and 16 more transcripts); c.246T>A, p.Leu82= (NM_001127511.3, NM_001354897.2, NM_001354902.2 and 1 more transcripts); c.141T>A, p.Leu47= (NM_001354898.2, NM_001354904.2, NM_001407451.1); c.39T>A, p.Leu13= (NM_001354900.2, NM_001354901.2, NM_001354905.2 and 1 more transcripts); c.-820T>A (NM_001354906.2, NM_001407470.1, NM_001407471.1 and 1 more transcripts).
Identifiers: ClinVar variation 1787071 (VCV001787071.4), dbSNP rs1580324752, ClinGen allele CA445753047.